The following is an entry in ClinVar:

ClinVar aggregate classification (germline): Uncertain significance (1 of 4 stars; one submission).

Conditions:
Hereditary cancer-predisposing syndrome. Also called: Hereditary Cancer Syndrome; Neoplastic Syndromes, Hereditary; Tumor predisposition; Hereditary neoplastic syndrome. Identifiers: Orphanet 140162, MedGen C0027672, MeSH D009386, MONDO:0015356.

Submission:

Ambry Genetics
Classification: Uncertain significance for Hereditary cancer-predisposing syndrome. Last evaluated: 2026-08-05. Review status: criteria provided, single submitter. Criteria: Ambry Variant Classification Scheme 2023. Collection method: clinical testing. Allele origin: germline.
Comment: The p.T81P variant (also known as c.241A>C) is located in coding exon 3 of the EGFR gene. The threonine at codon 81 is replaced by proline, an amino acid with highly similar properties. This change occurs in the first base pair of coding exon 3. This amino acid position is conserved. In addition, the in silico prediction for this alteration is inconclusive. Based on the available evidence, the clinical significance of this variant remains unclear.

NM_005228.5(EGFR):c.241A>C (p.Thr81Pro)

Gene: EGFR (epidermal growth factor receptor; plus strand). Cytogenetic location: 7p11.2.
Variant type: single nucleotide variant.
Coding change: c.241A>C on transcript NM_005228.5 (MANE Select); coding-DNA position 241, A replaced by C.
Protein change: p.Thr81Pro; replaces threonine 81 with proline.
Molecular consequence: missense variant. On other transcripts: intron variant (1).
Genome position (GRCh38, 1-based): chr7:55,143,305, A>C. VCF-style: chr7-55143305-A-C. GRCh37 (hg19) VCF-style: chr7-55210998-A-C.
Other names: c.241A>C, p.Thr81Pro (NM_201284.2, NM_001346897.2, NM_001346898.2 and 3 more transcripts); c.89-12525A>C (NM_001346941.2); c.82A>C, p.Thr28Pro (NM_001346900.2); short protein forms T81P, T28P.
Identifiers: ClinVar variation 5035811 (VCV005035811.1).